The following is an entry in ClinVar:

NM_174936.4(PCSK9):c.1055G>A (p.Gly352Glu)

Gene: PCSK9 (proprotein convertase subtilisin/kexin type 9; plus strand). Cytogenetic location: 1p32.3.
Variant type: single nucleotide variant.
Coding change: c.1055G>A on transcript NM_174936.4 (MANE Select); coding-DNA position 1055, G replaced by A.
Protein change: p.Gly352Glu; replaces glycine 352 with glutamic acid.
Molecular consequence: missense variant. On other transcripts: non-coding transcript variant (7).
Genome position (GRCh38, 1-based): chr1:55,057,389, G>A. VCF-style: chr1-55057389-G-A. GRCh37 (hg19) VCF-style: chr1-55523062-G-A.
Other names: c.1055G>A, p.Gly352Glu (NM_001407247.1, NM_001407241.1, NM_001407244.1); c.1178G>A, p.Gly393Glu (NM_001407240.1); c.1058G>A, p.Gly353Glu (NM_001407242.1); c.998G>A, p.Gly333Glu (NM_001407243.1); c.863G>A, p.Gly288Glu (NM_001407245.1); c.680G>A, p.Gly227Glu (NM_001407246.1); short protein forms G227E, G288E, G333E, G352E, G353E, G393E.
Identifiers: ClinVar variation 3070396 (VCV003070396.1), dbSNP rs1417795413, ClinGen allele CA340476481.

ClinVar aggregate classification (germline): Uncertain significance (1 of 4 stars; one submission).

Conditions:
Hypercholesterolemia, autosomal dominant, 3 (FHCL3). Also called: PCSK9-Related Familial Hypercholesterolemia, Autosomal Dominant; Familial Hypercholesterolemia, Autosomal Dominant, 3; Familial hypercholesterolemia 3. Identifiers: MedGen C1863551, MONDO:0011369, OMIM 603776.

Allele frequency attached by ClinVar (database versions not stated): gnomAD exomes below 0.00001.
gnomAD v4.1: 1 of 1,614,128 alleles (0.000062%); highest among the groups gnomAD compares: South Asian, 0.0011%; no homozygotes.

Submission:

All of Us Research Program, National Institutes of Health
Classification: Uncertain significance for Hypercholesterolemia, autosomal dominant, 3. Last evaluated: 2023-04-10. Review status: criteria provided, single submitter. Criteria: ACMG Guidelines, 2015. Collection method: clinical testing. Allele origin: germline. Inheritance: Autosomal dominant inheritance. Observed: 1 variant allele, 1 heterozygote.
Comment: This missense variant replaces glycine with glutamic acid at codon 352 of the PCSK9 protein. Computational prediction suggests that this variant may have deleterious impact on protein structure and function (internally defined REVEL score threshold >= 0.7, PMID: 27666373). To our knowledge, functional studies have not been reported for this variant. This variant has not been reported in individuals affected with PCSK9-related disorders in the literature. This variant has been identified in 1/251378 chromosomes in the general population by the Genome Aggregation Database (gnomAD). The available evidence is insufficient to determine the role of this variant in disease conclusively. Therefore, this variant is classified as a Variant of Uncertain Significance.

This study involves interpretation of variants in research participants for the purpose of population health screening. Participant phenotype was not available at the time of variant classification. Additional details can be found in publication PMID: 35346344, PMCID: PMC8962531